The following is an entry in ClinVar:

NM_015015.3(KDM4B):c.2840G>A (p.Cys947Tyr)

Gene: KDM4B (lysine demethylase 4B; plus strand). Cytogenetic location: 19p13.3.
Variant type: single nucleotide variant.
Coding change: c.2840G>A on transcript NM_015015.3 (MANE Select); coding-DNA position 2840, G replaced by A.
Protein change: p.Cys947Tyr; replaces cysteine 947 with tyrosine.
Molecular consequence: missense variant.
Genome position (GRCh38, 1-based): chr19:5,144,351, G>A. VCF-style: chr19-5144351-G-A. GRCh37 (hg19) VCF-style: chr19-5144362-G-A.
Other names: short protein forms C947Y.
Identifiers: ClinVar variation 1480553 (VCV001480553.6), dbSNP rs765233617, ClinGen allele CA9108398.
Genomic context (GRCh38, chr19:5,144,351, plus strand): 5'-CCAAGAACCGCAACGGGCTGTACTACCGCTGTCGCGTCATCGGTGCCGCCTCGCAGACCT[G>A]CTACGAAGTGAACTTCGACGATGGCTCCTACAGCGACAACCTGTACCCTGAGAGCATCAC-3'
Protein context (NP_055830.1, residues 937-957): CRVIGAASQT[Cys947Tyr]YEVNFDDGSY

ClinVar aggregate classification (germline): Uncertain significance (1 of 4 stars; one submission).

Allele frequency attached by ClinVar (database versions not stated): gnomAD exomes 0.00001; ExAC 0.00003.

Submission:

Labcorp Genetics (formerly Invitae), Labcorp
Classification: Uncertain significance. Last evaluated: 2023-09-10. Review status: criteria provided, single submitter. Criteria: Invitae Variant Classification Sherloc (09022015). Collection method: clinical testing. Allele origin: germline.
Comment: This sequence change replaces cysteine, which is neutral and slightly polar, with tyrosine, which is neutral and polar, at codon 947 of the KDM4B protein (p.Cys947Tyr). This variant is present in population databases (rs765233617, gnomAD 0.001%). This variant has not been reported in the literature in individuals affected with KDM4B-related conditions. ClinVar contains an entry for this variant (Variation ID: 1480553). An algorithm developed to predict the effect of missense changes on protein structure and function (PolyPhen-2) suggests that this variant is likely to be tolerated. In summary, the available evidence is currently insufficient to determine the role of this variant in disease. Therefore, it has been classified as a Variant of Uncertain Significance.